The following is an entry in ClinVar:

NM_001042492.3(NF1):c.1679del (p.Leu560fs)

Gene: NF1 (neurofibromin 1; plus strand). Cytogenetic location: 17q11.2.
Variant type: Deletion.
Coding change: c.1679del on transcript NM_001042492.3 (MANE Select); coding-DNA position 1679, one base deleted (T; older notation c.1679delT).
Protein change: p.Leu560fs; shifts the reading frame from leucine 560.
Molecular consequence: frameshift variant.
Genome position (GRCh38, 1-based): chr17:31,221,887, T deleted; the last of 3 consecutive T bases (chr17:31,221,885-31,221,887); deleting any one gives the same sequence. VCF-style (leftmost placement, unchanged base first): chr17-31221884-AT-A. GRCh37 (hg19) VCF-style: chr17-29548902-AT-A.
Other names: c.1679delT, p.Leu560Cysfs (NM_000267.4); c.1679del, p.Leu560fs (NM_001128147.3); short protein forms L560fs.
Identifiers: ClinVar variation 1703146 (VCV001703146.3), dbSNP rs2508108674, ClinGen allele CA2580092775.
Genomic context (GRCh38, chr17:31,221,884, plus strand): 5'-GTCTTTCTCTTTTTTAAAAAATTCAGGCTCTGCTGGTTCTTCATCAGTTAGATAGCATTG[AT>A]TTGTGGAATCCTGATGCTCCTGTAGAAACATTTTGGGAGATTAGGTATATGTACTTTTAT-3'

ClinVar aggregate classification (germline): Pathogenic (1 of 4 stars; one submission).

Conditions:
Neurofibromatosis, type 1 (NF1). Also called: VON RECKLINGHAUSEN DISEASE; NEUROFIBROMATOSIS, TYPE I, SOMATIC; Peripheral type neurofibromatosis; Neurofibromatosis, type I. Identifiers: Orphanet 636, MedGen C0027831, MONDO:0018975, OMIM 162200. Disease mechanism: loss of function.

Submission:

Greenwood Genetic Center Diagnostic Laboratories, Greenwood Genetic Center
Classification: Pathogenic for Neurofibromatosis, type 1. Last evaluated: 2022-04-18. Review status: criteria provided, single submitter. Criteria: ACMG Guidelines, 2015. Collection method: clinical testing. Allele origin: germline. Affected: yes.
Comment: PVS1, PS4_Supporting, PM2